The following is an entry in ClinVar:

NM_001376.5(DYNC1H1):c.10888G>A (p.Gly3630Ser)

Gene: DYNC1H1 (dynein cytoplasmic 1 heavy chain 1; plus strand). Cytogenetic location: 14q32.31.
Variant type: single nucleotide variant.
Coding change: c.10888G>A on transcript NM_001376.5 (MANE Select); coding-DNA position 10888, G replaced by A.
Protein change: p.Gly3630Ser; replaces glycine 3630 with serine.
Molecular consequence: missense variant.
Genome position (GRCh38, 1-based): chr14:102,036,622, G>A. VCF-style: chr14-102036622-G-A. GRCh37 (hg19) VCF-style: chr14-102502959-G-A.
Other names: short protein forms G3630S.
Identifiers: ClinVar variation 996575 (VCV000996575.7), dbSNP rs2048578300, ClinGen allele CA391030027.

ClinVar aggregate classification (germline): Conflicting classifications of pathogenicity. Review status: criteria provided, conflicting classifications (1 of 4 stars). 3 submissions from 3 submitters: Pathogenic (1); Uncertain significance (1). 1 of the submissions does not count toward it. Last evaluated 2024-05-10.

Conditions:
Charcot-Marie-Tooth disease axonal type 2O. Also called: Charcot-Marie-Tooth Neuropathy Type 2O; CHARCOT-MARIE-TOOTH NEUROPATHY, AXONAL, TYPE 2O; CHARCOT-MARIE-TOOTH DISEASE, AXONAL, AUTOSOMAL DOMINANT, TYPE 2O; Charcot-Marie-Tooth disease, axonal, type 20. Identifiers: Orphanet 284232, MedGen C3280220, MONDO:0013644, OMIM 614228.
Lissencephaly. Also called: Lissencephaly spectrum disorders. Identifiers: Orphanet 48471, MedGen C0266463, MeSH D054082, MONDO:0018838, HP:0001339.

Submissions (3):

GeneDx
Classification: Pathogenic. Last evaluated: 2024-05-10. Review status: criteria provided, single submitter. Criteria: GeneDx Variant Classification Process June 2021. Collection method: clinical testing. Allele origin: germline. Affected: yes.
Comment: Reported in an individual with lissencephaly, epilepsy, developmental delay, and congenital cataracts for whom parental testing was not performed (PMID: 29671837); In silico analysis supports that this missense variant has a deleterious effect on protein structure/function; Not observed at significant frequency in large population cohorts (gnomAD); This variant is associated with the following publications: (PMID: 26100331, 25609763, 25512093, 35099838, 36636459, 29671837)

Labcorp Genetics (formerly Invitae), Labcorp
Classification: Uncertain significance for Charcot-Marie-Tooth disease axonal type 2O. Last evaluated: 2022-02-20. Review status: criteria provided, single submitter. Criteria: Invitae Variant Classification Sherloc (09022015). Collection method: clinical testing. Allele origin: germline.
Comment: This sequence change replaces glycine, which is neutral and non-polar, with serine, which is neutral and polar, at codon 3630 of the DYNC1H1 protein (p.Gly3630Ser). This variant is not present in population databases (gnomAD no frequency). This missense change has been observed in individual(s) with lissencephaly (PMID: 29671837). ClinVar contains an entry for this variant (Variation ID: 996575). Algorithms developed to predict the effect of missense changes on protein structure and function (SIFT, PolyPhen-2, Align-GVGD) all suggest that this variant is likely to be disruptive. Algorithms developed to predict the effect of sequence changes on RNA splicing suggest that this variant may disrupt the consensus splice site. In summary, the available evidence is currently insufficient to determine the role of this variant in disease. Therefore, it has been classified as a Variant of Uncertain Significance.

University of Washington Center for Mendelian Genomics, University of Washington
Classification: Uncertain significance for lissencephaly. Review status: no assertion criteria provided. Collection method: research. Allele origin: unknown. Affected: yes. Not counted in ClinVar's aggregate classification.

Literature cited by the submitters: PubMed 29671837 (cited by Labcorp Genetics (formerly Invitae), Labcorp and University of Washington Center for Mendelian Genomics, University of Washington).